The following is an entry in ClinVar:

NM_000180.4(GUCY2D):c.569C>G (p.Pro190Arg)

Gene: GUCY2D (guanylate cyclase 2D, retinal; plus strand). Cytogenetic location: 17p13.1.
Variant type: single nucleotide variant.
Coding change: c.569C>G on transcript NM_000180.4 (MANE Select); coding-DNA position 569, C replaced by G.
Protein change: p.Pro190Arg; replaces proline 190 with arginine.
Molecular consequence: missense variant.
Genome position (GRCh38, 1-based): chr17:8,003,616, C>G. VCF-style: chr17-8003616-C-G. GRCh37 (hg19) VCF-style: chr17-7906934-C-G.
Other names: short protein forms P190R.
Identifiers: ClinVar variation 938877 (VCV000938877.8), dbSNP rs1484809146, ClinGen allele CA397944247.

ClinVar aggregate classification (germline): Uncertain significance. Review status: criteria provided, multiple submitters, no conflicts (2 of 4 stars). 2 submissions from 2 submitters: Uncertain significance (2). Last evaluated 2021-08-27.

Conditions:
Cone-rod dystrophy 6 (CORD6). Also called: RETINAL CONE DYSTROPHY 2; Cone dystrophy progressive. Identifiers: Orphanet 1872, MedGen C1866293, MONDO:0011143, OMIM 601777.
Leber congenital amaurosis 1 (LCA1). Also called: RETINAL BLINDNESS, CONGENITAL; AMAUROSIS CONGENITA OF LEBER I; Congenital absence of the rods and cones; Leber's congenital tapetoretinal degeneration; Leber's congenital tapetoretinal dysplasia. Identifiers: Orphanet 65, MedGen C2931258, MONDO:0008764, OMIM 204000.

Allele frequency attached by ClinVar (database versions not stated): gnomAD exomes below 0.00001; TOPMed 0.00001.
gnomAD v4.1: 4 of 1,592,370 alleles (0.00025%); highest among the groups gnomAD compares: Non-Finnish European, 0.00034%; no homozygotes.

Submissions (2):

Labcorp Genetics (formerly Invitae), Labcorp
Classification: Uncertain significance for Leber congenital amaurosis 1; Cone-rod dystrophy 6. Last evaluated: 2021-08-27. Review status: criteria provided, single submitter. Criteria: Invitae Variant Classification Sherloc (09022015). Collection method: clinical testing. Allele origin: germline.
Comment: This sequence change replaces proline with arginine at codon 190 of the GUCY2D protein (p.Pro190Arg). The proline residue is highly conserved and there is a moderate physicochemical difference between proline and arginine. This variant is not present in population databases (ExAC no frequency). This variant has not been reported in the literature in individuals affected with GUCY2D-related conditions. Algorithms developed to predict the effect of missense changes on protein structure and function are either unavailable or do not agree on the potential impact of this missense change (SIFT: "Deleterious"; PolyPhen-2: "Possibly Damaging"; Align-GVGD: "Class C0"). In summary, the available evidence is currently insufficient to determine the role of this variant in disease. Therefore, it has been classified as a Variant of Uncertain Significance.

Blueprint Genetics
Classification: Uncertain significance. Last evaluated: 2018-05-24. Review status: criteria provided, single submitter. Criteria: ACMG Guidelines, 2015. Collection method: clinical testing. Allele origin: germline.